The following is an entry in ClinVar:

NM_001365536.1(SCN9A):c.2792C>T (p.Thr931Ile)

Genes: SCN9A (sodium voltage-gated channel alpha subunit 9; minus strand), SCN1A-AS1 (SCN1A and SCN9A antisense RNA 1; plus strand). Cytogenetic location: 2q24.3.
Variant type: single nucleotide variant.
Coding change: c.2792C>T on transcript NM_001365536.1 (MANE Select); coding-DNA position 2792, C replaced by T.
Protein change: p.Thr931Ile; replaces threonine 931 with isoleucine.
Molecular consequence: missense variant.
Genome position (GRCh38, 1-based): chr2:166,277,065, G>A on the plus strand (C>T on the coding strand, the complement: SCN9A is on the minus strand). VCF-style: chr2-166277065-G-A. GRCh37 (hg19) VCF-style: chr2-167133575-G-A.
Other names: c.2759C>T, p.Thr920Ile (NM_002977.4); short protein forms T920I, T931I.
Identifiers: ClinVar variation 653610 (VCV000653610.9), dbSNP rs1299624986, ClinGen allele CA349077387.

ClinVar aggregate classification (germline): Uncertain significance (1 of 4 stars; one submission).

Conditions:
Neuropathy, hereditary sensory and autonomic, type 2A (HSAN2A). Also called: MORVAN DISEASE; NEUROPATHY, CONGENITAL SENSORY; NEUROPATHY, HEREDITARY SENSORY RADICULAR, AUTOSOMAL RECESSIVE; NEUROPATHY, HEREDITARY SENSORY, TYPE IIA; NEUROPATHY, PROGRESSIVE SENSORY, OF CHILDREN; WNK1-Related HSAN2 (HSAN2A). Identifiers: Orphanet 970, MedGen C2752089, MONDO:0024309, OMIM 201300.
Generalized epilepsy with febrile seizures plus, type 7 (GEFSP7). Also called: GEFS+, TYPE 7. Identifiers: Orphanet 36387, MedGen C2751778, MONDO:0013470, OMIM 613863.

Allele frequency attached by ClinVar (database versions not stated): gnomAD exomes below 0.00001.
gnomAD v4.1: 10 of 1,613,978 alleles (0.00062%); highest among the groups gnomAD compares: Admixed American, 0.0017%; no homozygotes.

Submission:

Labcorp Genetics (formerly Invitae), Labcorp
Classification: Uncertain significance for Neuropathy, hereditary sensory and autonomic, type 2A; Generalized epilepsy with febrile seizures plus, type 7. Last evaluated: 2018-09-13. Review status: criteria provided, single submitter. Criteria: Invitae Variant Classification Sherloc (09022015). Collection method: clinical testing. Allele origin: germline.
Comment: In summary, the available evidence is currently insufficient to determine the role of this variant in disease. Therefore, it has been classified as a Variant of Uncertain Significance. Algorithms developed to predict the effect of missense changes on protein structure and function are either unavailable or do not agree on the potential impact of this missense change (SIFT: "Deleterious"; PolyPhen-2: "Probably Damaging"; Align-GVGD: "Class C15"). This variant has not been reported in the literature in individuals with SCN9A-related disease. This variant is not present in population databases (ExAC no frequency). This sequence change replaces threonine with isoleucine at codon 920 of the SCN9A protein (p.Thr920Ile). The threonine residue is highly conserved and there is a moderate physicochemical difference between threonine and isoleucine.